The following is an entry in ClinVar:

ClinVar aggregate classification (germline): Uncertain significance (1 of 4 stars; one submission).

Conditions:
Brugada syndrome 8 (BRGDA8). Identifiers: Orphanet 130, MedGen C2751083, MONDO:0013148, OMIM 613123.

Submission:

Labcorp Genetics (formerly Invitae), Labcorp
Classification: Uncertain significance for Brugada syndrome 8. Last evaluated: 2022-03-18. Review status: criteria provided, single submitter. Criteria: Invitae Variant Classification Sherloc (09022015). Collection method: clinical testing. Allele origin: germline.
Comment: In summary, the available evidence is currently insufficient to determine the role of this variant in disease. Therefore, it has been classified as a Variant of Uncertain Significance. This variant has not been reported in the literature in individuals affected with HCN4-related conditions. This variant is not present in population databases (gnomAD no frequency). This sequence change creates a premature translational stop signal (p.Tyr559*) in the HCN4 gene. It is expected to result in an absent or disrupted protein product. However, the current clinical and genetic evidence is not sufficient to establish whether loss-of-function variants in HCN4 cause disease.

NM_005477.3(HCN4):c.1677C>G (p.Tyr559Ter)

Gene: HCN4 (hyperpolarization activated cyclic nucleotide gated potassium channel 4; minus strand). Cytogenetic location: 15q24.1.
Variant type: single nucleotide variant.
Coding change: c.1677C>G on transcript NM_005477.3 (MANE Select); coding-DNA position 1677, C replaced by G.
Protein change: p.Tyr559Ter; replaces tyrosine 559 with a stop codon.
Molecular consequence: nonsense.
Genome position (GRCh38, 1-based): chr15:73,325,358, G>C on the plus strand (C>G on the coding strand, the complement: HCN4 is on the minus strand). VCF-style: chr15-73325358-G-C. GRCh37 (hg19) VCF-style: chr15-73617699-G-C.
Other names: short protein forms Y559*.
Identifiers: ClinVar variation 2045952 (VCV002045952.4), dbSNP rs2549070148, ClinGen allele CA393091991.
Genomic context (GRCh38, chr15:73,325,358, plus strand): 5'-CTCCCGCAGGGGCTCGCTTAGCTCGCCCAGGATGCTCTCCTCGTCGAACATCTTGCCCTG[G>C]TAGCGGTGCTCGTAGTAGTCGTGGATGCGCTGCCGGGTGTCGGGCGGGAGCTTGTGAAAG-3'